The following is an entry in ClinVar:

ClinVar aggregate classification (germline): Uncertain significance (1 of 4 stars; one submission).

Conditions:
Neurodevelopmental disorder with impaired speech and hyperkinetic movements. Identifiers: MedGen C5193088, MONDO:0032741, OMIM 618425.

Submission:

Clinical Genomics Laboratory, Washington University in St. Louis
Classification: Uncertain significance for Neurodevelopmental disorder with impaired speech and hyperkinetic movements. Last evaluated: 2024-01-31. Review status: criteria provided, single submitter. Criteria: ACMG Guidelines, 2015. Collection method: clinical testing. Allele origin: germline.
Comment: The ZNF142 c.1873G>A (p.Gly625Ser) variant, to our knowledge, has not been reported in the medical literature and is absent from the general population (gnomAD v.2.1.1), indicating it is not a common variant. Computational predictors suggest that the variant does not impact ZNF142 function. Due to limited information, and based on ACMG/AMP guidelines for variant interpretation (Richards S et al., PMID: 25741868), the clinical significance of this variant is uncertain at this time.

NM_001379659.1(ZNF142):c.1873G>A (p.Gly625Ser)

Gene: ZNF142 (zinc finger protein 142; minus strand). Cytogenetic location: 2q35.
Variant type: single nucleotide variant.
Coding change: c.1873G>A on transcript NM_001379659.1 (MANE Select); coding-DNA position 1873, G replaced by A.
Protein change: p.Gly625Ser; replaces glycine 625 with serine.
Molecular consequence: missense variant.
Genome position (GRCh38, 1-based): chr2:218,648,635, C>T on the plus strand (G>A on the coding strand, the complement: ZNF142 is on the minus strand). VCF-style: chr2-218648635-C-T. GRCh37 (hg19) VCF-style: chr2-219513358-C-T.
Other names: c.1273G>A, p.Gly425Ser (NM_001366291.3, NM_001379662.1, NM_001105537.5); c.1873G>A, p.Gly625Ser (NM_001379660.1, NM_001379661.1, NM_001366290.3); c.784G>A, p.Gly262Ser (NM_001366287.3, NM_001366288.3, NM_001366289.3); short protein forms G262S, G425S, G625S.
Identifiers: ClinVar variation 3602596 (VCV003602596.1).
Genomic context (GRCh38, chr2:218,648,635, plus strand): 5'-GTAGCCAGTATCACCACCATCATTATTACAACATTATTTTAAGGATGGAAACCATCCTAC[C>T]CGTATGTAGAAGCATGTGTCGGATGAGCACCCTCTTGTGGGCAGTGGCAAAGTTGCACTC-3'
Protein context (NP_001366588.1, residues 615-635): VLIRHMLLHT[Gly625Ser]EKPHKCELCD